The following is an entry in ClinVar:

ClinVar aggregate classification (germline): Likely benign (1 of 4 stars; one submission).

Allele frequency attached by ClinVar (database versions not stated): 1000 Genomes Project 0.00100; 1000 Genomes Project 30x 0.00125; gnomAD 0.00252; TOPMed 0.00275.

Submission:

CeGaT Center for Human Genetics Tuebingen
Classification: Likely benign. Last evaluated: 2026-09-01. Review status: criteria provided, single submitter. Criteria: CeGaT Center For Human Genetics Tuebingen Variant Classification Criteria Version 2. Collection method: clinical testing. Allele origin: germline. Affected: yes. Observed: 23 variant alleles.
Comment: CUX1: BS1

NC_000007.14:g.101606361G>A

Gene: CUX1 (cut like homeobox 1; plus strand). Cytogenetic location: 7q22.1.
Variant type: single nucleotide variant.
Genome position: GRCh38 VCF-style: chr7-101606361-G-A. GRCh37 (hg19) VCF-style: chr7-101249641-G-A.
Identifiers: ClinVar variation 2657858 (VCV002657858.24), dbSNP rs576345429, ClinGen allele CA163767223.
Genomic context (GRCh38, chr7:101,606,361, plus strand): 5'-AGGCATCTTGCTGGGCTAATTACTCTCAATGAGACCCAGCTGGCTGTGGGAGCCGGCGGC[G>A]CCGGGGCAGGCCCGGATCCCTGTACCCAGCTCCCTGGGGCTACAAAGGCCTGTCCCAACC-3'